The following is an entry in ClinVar:

ClinVar aggregate classification (germline): Benign. Review status: criteria provided, multiple submitters, no conflicts (2 of 4 stars). 5 submissions from 5 submitters: Benign (4). 1 of the submissions does not count toward it. Last evaluated 2026-02-04.

Allele frequency attached by ClinVar (database versions not stated): gnomAD 0.13437 and 0.13858; 1000 Genomes Project 0.13638; gnomAD exomes 0.07189 and 0.08372; TOPMed 0.14557; ExAC 0.09056; ESP Exome Variant Server 0.15271; 1000 Genomes Project 30x 0.14069.

Submissions (5):

Labcorp Genetics (formerly Invitae), Labcorp
Classification: Benign. Last evaluated: 2026-02-04. Review status: criteria provided, single submitter. Criteria: Invitae Variant Classification Sherloc (09022015). Collection method: clinical testing. Allele origin: germline.

GeneDx
Classification: Benign. Last evaluated: 2018-07-09. Review status: criteria provided, single submitter. Criteria: GeneDx Variant Classification Process June 2021. Collection method: clinical testing. Allele origin: germline. Affected: yes.

Breakthrough Genomics
Classification: Benign. Review status: criteria provided, single submitter. Criteria: ACMG Guidelines, 2015. Collection method: not provided. Allele origin: germline. Inheritance: Autosomal recessive inheritance. Affected: yes.

PreventionGenetics, part of Exact Sciences
Classification: Benign. Review status: criteria provided, single submitter. Criteria: ACMG Guidelines, 2015. Collection method: clinical testing. Allele origin: germline.

Genetic Services Laboratory, University of Chicago
Classification: Likely benign for AllHighlyPenetrant. Review status: no assertion criteria provided. Collection method: clinical testing. Allele origin: germline. Inheritance: Autosomal recessive inheritance. Not counted in ClinVar's aggregate classification.
Comment: Likely benign based on allele frequency in 1000 Genomes Project or ESP global frequency and its presence in a patient with a rare or unrelated disease phenotype. NOT Sanger confirmed.

NM_030928.4(CDT1):c.549A>G (p.Gly183=)

Gene: CDT1 (chromatin licensing and DNA replication factor 1; plus strand). Cytogenetic location: 16q24.3.
Variant type: single nucleotide variant.
Coding change: c.549A>G on transcript NM_030928.4 (MANE Select); coding-DNA position 549, A replaced by G.
Protein change: p.Gly183=; no amino-acid change (glycine 183 retained).
Molecular consequence: synonymous variant.
Genome position (GRCh38, 1-based): chr16:88,805,500, A>G. VCF-style: chr16-88805500-A-G. GRCh37 (hg19) VCF-style: chr16-88871908-A-G.
Identifiers: ClinVar variation 128679 (VCV000128679.17), dbSNP rs1834065, ClinGen allele CA152276.